The following is an entry in ClinVar:

ClinVar aggregate classification (germline): Uncertain significance. Review status: criteria provided, multiple submitters, no conflicts (2 of 4 stars). 7 submissions from 7 submitters: Uncertain significance (7). Last evaluated 2025-12-21.

Conditions:
Hereditary cancer-predisposing syndrome. Also called: Neoplastic Syndromes, Hereditary; Hereditary Cancer Syndrome; Hereditary neoplastic syndrome; Tumor predisposition. Identifiers: Orphanet 140162, MedGen C0027672, MeSH D009386, MONDO:0015356.
Breast-ovarian cancer, familial, susceptibility to, 3. Also called: RAD51C-Related Breast/Ovarian Cancer. Identifiers: Orphanet 145, MedGen C3150659, MONDO:0013253, OMIM 613399.
Fanconi anemia complementation group O. Also called: RAD51C-Related Fanconi Anemia. Identifiers: Orphanet 84, MedGen C3150653, MONDO:0013248, OMIM 613390.

gnomAD v4.1: 9 of 1,611,560 alleles (0.00056%); highest among the groups gnomAD compares: Non-Finnish European, 0.00076%; no homozygotes.

Submissions (7):

Labcorp Genetics (formerly Invitae), Labcorp
Classification: Uncertain significance for Fanconi anemia complementation group O. Last evaluated: 2025-12-21. Review status: criteria provided, single submitter. Criteria: Invitae Variant Classification Sherloc (09022015). Collection method: clinical testing. Allele origin: germline.
Comment: This sequence change falls in intron 8 of the RAD51C gene. It does not directly change the encoded amino acid sequence of the RAD51C protein. It affects a nucleotide within the consensus splice site. This variant is not present in population databases (gnomAD no frequency). This variant has been observed in individual(s) with ovarian cancer (PMID: 5806449). ClinVar contains an entry for this variant (Variation ID: 142429). Variants that disrupt the consensus splice site are a relatively common cause of aberrant splicing (PMID: 17576681, 9536098). Studies have shown that this variant is associated with inconclusive levels of altered splicing (PMID: 35806449; internal data). In summary, the available evidence is currently insufficient to determine the role of this variant in disease. Therefore, it has been classified as a Variant of Uncertain Significance.

Ambry Genetics
Classification: Uncertain significance for Hereditary cancer-predisposing syndrome. Last evaluated: 2025-07-14. Review status: criteria provided, single submitter. Criteria: Ambry Variant Classification Scheme 2023. Collection method: clinical testing. Allele origin: germline.
Comment: The c.1027-3C>G intronic variant results from a C to G substitution 3 nucleotides upstream from coding exon 9 in the RAD51C gene. This nucleotide position is highly conserved in available vertebrate species. In silico splice site analysis predicts that this alteration will weaken the native splice acceptor site; however, direct evidence is insufficient at this time (Ambry internal data). Based on the available evidence, the clinical significance of this variant remains unclear.

Baylor Genetics
Classification: Uncertain significance for Breast-ovarian cancer, familial, susceptibility to, 3. Last evaluated: 2023-10-16. Review status: criteria provided, single submitter. Criteria: ACMG Guidelines, 2015. Collection method: clinical testing. Allele origin: unknown.

Department of Molecular Diagnostics, Institute of Oncology Ljubljana
Classification: Uncertain significance for Breast-ovarian cancer, familial, susceptibility to, 3. Last evaluated: 2022-05-15. Review status: criteria provided, single submitter. Criteria: ACMG Guidelines, 2015. Collection method: clinical testing. Allele origin: germline. Affected: yes.
Comment: RAD51C:c.1027-3C>G variant is absent from the large population studies (GnomAd). The variant is predicted to reduce the strenght of natural acceptor splice site by in silico splicing tools. Functional RNA study has shown that the variant causes an inconclusive splicing abberation (PMID: 35806449). Therefore the variant was classified as variant of uncertain significance (ACMG/AMP: PM2, PP3, PS3-m).

GeneDx
Classification: Uncertain significance. Last evaluated: 2020-08-21. Review status: criteria provided, single submitter. Criteria: GeneDx Variant Classification Process June 2021. Collection method: clinical testing. Allele origin: germline. Affected: yes.
Comment: In silico analysis, which includes splice predictors and evolutionary conservation, supports a deleterious effect; Observed in individual with a personal history of pancreatic, breast, and ovarian cancer (Dudley 2018); This variant is associated with the following publications: (PMID: 29360161)

Color Diagnostics, LLC DBA Color Health
Classification: Uncertain significance for Hereditary cancer-predisposing syndrome. Last evaluated: 2019-09-05. Review status: criteria provided, single submitter. Criteria: ACMG Guidelines, 2015. Collection method: clinical testing. Allele origin: germline.
Comment: This variant causes a C>G nucleotide substitution at the -3 position of intron 8 of the RAD51C gene. Splice site prediction tools predict that this variant may have a significant impact on RNA splicing. Although this prediction has not been confirmed in published RNA studies, this variant is expected to result in an absent or disrupted protein product. To our knowledge, functional studies have not been performed for this variant. This variant has not been reported in individuals affected with hereditary cancer in the literature. This variant has not been identified in the general population by the Genome Aggregation Database (gnomAD). The available evidence is insufficient to determine the role of this variant in disease conclusively. Therefore, this variant is classified as a Variant of Uncertain Significance.

Institute for Biomarker Research, Medical Diagnostic Laboratories, L.L.C.
Classification: Uncertain significance for Hereditary cancer-predisposing syndrome. Last evaluated: 2017-07-12. Review status: criteria provided, single submitter. Criteria: ACMG Guidelines, 2015. Collection method: clinical testing. Allele origin: germline.

Literature cited by the submitters: PubMed 5806449 (cited by Labcorp Genetics (formerly Invitae), Labcorp); PubMed 17576681 (cited by Labcorp Genetics (formerly Invitae), Labcorp); PubMed 9536098 (cited by Labcorp Genetics (formerly Invitae), Labcorp); PubMed 35806449 (cited by Labcorp Genetics (formerly Invitae), Labcorp and Department of Molecular Diagnostics, Institute of Oncology Ljubljana).

NM_058216.3(RAD51C):c.1027-3C>G

Gene: RAD51C (RAD51 paralog C; plus strand). Cytogenetic location: 17q22.
Variant type: single nucleotide variant.
Coding change: c.1027-3C>G on transcript NM_058216.3 (MANE Select); 3 bases into the intron before coding-DNA position 1027, C replaced by G.
Molecular consequence: intron variant.
Genome position (GRCh38, 1-based): chr17:58,734,115, C>G. VCF-style: chr17-58734115-C-G. GRCh37 (hg19) VCF-style: chr17-56811476-C-G.
Other names: c.1027-3C>G (LRG_314t1).
Identifiers: ClinVar variation 142429 (VCV000142429.23), dbSNP rs587782459, ClinGen allele CA333258.